The following is an entry in ClinVar:

NM_004525.3(LRP2):c.10503G>A (p.Gln3501=)

Gene: LRP2 (LDL receptor related protein 2; minus strand). Cytogenetic location: 2q31.1.
Variant type: single nucleotide variant.
Coding change: c.10503G>A on transcript NM_004525.3 (MANE Select); coding-DNA position 10503, G replaced by A.
Protein change: p.Gln3501=; no amino-acid change (glutamine 3501 retained).
Molecular consequence: synonymous variant.
Genome position (GRCh38, 1-based): chr2:169,176,479, C>T on the plus strand (G>A on the coding strand, the complement: LRP2 is on the minus strand). VCF-style: chr2-169176479-C-T. GRCh37 (hg19) VCF-style: chr2-170032989-C-T.
Other names: p.Gln3501=.
Identifiers: ClinVar variation 129490 (VCV000129490.33), dbSNP rs2229265, ClinGen allele CA153535.

ClinVar aggregate classification (germline): Benign. Review status: criteria provided, multiple submitters, no conflicts (2 of 4 stars). 12 submissions from 12 submitters: Benign (9). 3 of the submissions do not count toward it. Last evaluated 2026-02-04.

Conditions:
Donnai-Barrow syndrome. Also called: FACIOOCULOACOUSTICORENAL SYNDROME; DBS/FOAR SYNDROME. Identifiers: Orphanet 2143, MedGen C1857277, MONDO:0009104, OMIM 222448.

Allele frequency attached by ClinVar (database versions not stated): 1000 Genomes Project 0.37959; 1000 Genomes Project 30x 0.38476; gnomAD 0.45057 and 0.45093; ESP Exome Variant Server 0.45141; TOPMed 0.45368; ExAC 0.47252; gnomAD exomes 0.48157 and 0.50401.
gnomAD v4.1: 803,521 of 1,613,744 alleles (50%); highest among the groups gnomAD compares: Admixed American, 64%; 206,212 homozygotes.

Submissions (12):

Labcorp Genetics (formerly Invitae), Labcorp
Classification: Benign. Last evaluated: 2026-02-04. Review status: criteria provided, single submitter. Criteria: Invitae Variant Classification Sherloc (09022015). Collection method: clinical testing. Allele origin: germline.

Blueprint Genetics
Classification: Benign. Last evaluated: 2024-11-26. Review status: criteria provided, single submitter. Criteria: ACMG Guidelines, 2015. Collection method: clinical testing. Allele origin: germline.

Mayo Clinic Laboratories, Mayo Clinic
Classification: Benign. Last evaluated: 2022-11-10. Review status: criteria provided, single submitter. Criteria: ACMG Guidelines, 2015. Collection method: clinical testing. Allele origin: germline. Observed: 96 variant alleles.

Genome-Nilou Lab
Classification: Benign for Donnai-Barrow syndrome. Last evaluated: 2021-08-19. Review status: criteria provided, single submitter. Criteria: ACMG Guidelines, 2015. Collection method: clinical testing. Allele origin: germline. Affected: no.

Eurofins Ntd Llc (ga)
Classification: Benign. Last evaluated: 2018-08-22. Review status: criteria provided, single submitter. Criteria: EGL ClinVar v180209 classification definitions. Collection method: clinical testing. Allele origin: germline. Observed: 2 variant alleles, 1 heterozygote, 1 homozygote.

Illumina Laboratory Services, Illumina
Classification: Benign for Donnai-Barrow syndrome. Last evaluated: 2018-01-13. Review status: criteria provided, single submitter. Criteria: ICSL Variant Classification Criteria 13 December 2019. Collection method: clinical testing. Allele origin: germline.
Comment: This variant was observed in the ICSL laboratory as part of a predisposition screen in an ostensibly healthy population. It had not been previously curated by ICSL or reported in the Human Gene Mutation Database (HGMD: prior to June 1st, 2018), and was therefore a candidate for classification through an automated scoring system. Utilizing variant allele frequency, disease prevalence and penetrance estimates, and inheritance mode, an automated score was calculated to assess if this variant is too frequent to cause the disease. Based on the score and internal cut-off values, a variant classified as benign is not then subjected to further curation. The score for this variant resulted in a classification of benign for this disease.

GeneDx
Classification: Benign. Last evaluated: 2015-03-03. Review status: criteria provided, single submitter. Criteria: GeneDx Variant Classification Process June 2021. Collection method: clinical testing. Allele origin: germline. Affected: yes.

Breakthrough Genomics
Classification: Benign. Review status: criteria provided, single submitter. Criteria: ACMG Guidelines, 2015. Collection method: not provided. Allele origin: germline. Inheritance: Autosomal recessive inheritance. Affected: yes.

PreventionGenetics, part of Exact Sciences
Classification: Benign. Review status: criteria provided, single submitter. Criteria: ACMG Guidelines, 2015. Collection method: clinical testing. Allele origin: germline.

Diagnostic Laboratory, Department of Genetics, University Medical Center Groningen
Classification: Benign. Review status: no assertion criteria provided. Collection method: clinical testing. Allele origin: germline. Affected: yes. Study: VKGL Data-share Consensus. Not counted in ClinVar's aggregate classification.

Genetic Services Laboratory, University of Chicago
Classification: Likely benign for AllHighlyPenetrant. Review status: no assertion criteria provided. Collection method: clinical testing. Allele origin: germline. Inheritance: Autosomal recessive inheritance. Not counted in ClinVar's aggregate classification.
Comment: Likely benign based on allele frequency in 1000 Genomes Project or ESP global frequency and its presence in a patient with a rare or unrelated disease phenotype. NOT Sanger confirmed.

Joint Genome Diagnostic Labs from Nijmegen and Maastricht, Radboudumc and MUMC+
Classification: Benign. Review status: no assertion criteria provided. Collection method: clinical testing. Allele origin: germline. Affected: yes. Study: VKGL Data-share Consensus. Not counted in ClinVar's aggregate classification.